The following is an entry in ClinVar:

ClinVar aggregate classification (germline): Uncertain significance (1 of 4 stars; one submission).

Allele frequency attached by ClinVar (database versions not stated): gnomAD exomes below 0.00001.
gnomAD v4.1: 1 of 1,613,810 alleles (0.000062%); highest among the groups gnomAD compares: Non-Finnish European, 0.000085%; no homozygotes.

Submission:

Labcorp Genetics (formerly Invitae), Labcorp
Classification: Uncertain significance. Last evaluated: 2024-12-16. Review status: criteria provided, single submitter. Criteria: Invitae Variant Classification Sherloc (09022015). Collection method: clinical testing. Allele origin: germline.
Comment: This sequence change replaces alanine, which is neutral and non-polar, with threonine, which is neutral and polar, at codon 905 of the CDH23 protein (p.Ala905Thr). This variant is not present in population databases (gnomAD no frequency). This variant has not been reported in the literature in individuals affected with CDH23-related conditions. ClinVar contains an entry for this variant (Variation ID: 956860). An algorithm developed to predict the effect of missense changes on protein structure and function outputs the following: PolyPhen-2: "Not Available". The threonine amino acid residue is found in multiple mammalian species, which suggests that this missense change does not adversely affect protein function. In summary, the available evidence is currently insufficient to determine the role of this variant in disease. Therefore, it has been classified as a Variant of Uncertain Significance.

NM_022124.6(CDH23):c.2713G>A (p.Ala905Thr)

Gene: CDH23 (cadherin related 23; plus strand). Cytogenetic location: 10q22.1.
Variant type: single nucleotide variant.
Coding change: c.2713G>A on transcript NM_022124.6 (MANE Select); coding-DNA position 2713, G replaced by A.
Protein change: p.Ala905Thr; replaces alanine 905 with threonine.
Molecular consequence: missense variant.
Genome position (GRCh38, 1-based): chr10:71,702,674, G>A. VCF-style: chr10-71702674-G-A. GRCh37 (hg19) VCF-style: chr10-73462431-G-A.
Other names: c.2713G>A, p.Ala905Thr (NM_001171930.2, NM_001171931.2); short protein forms A905T.
Identifiers: ClinVar variation 956860 (VCV000956860.6), dbSNP rs1865636327, ClinGen allele CA377138514.